The following is an entry in ClinVar:

ClinVar aggregate classification (germline): Likely benign. Review status: criteria provided, single submitter (1 of 4 stars). 2 submissions from 2 submitters: Likely benign (1). 1 of the submissions does not count toward it. Last evaluated 2022-08-23.

Conditions:
RBFOX1-related disorder. Also called: RBFOX1-related condition.
Idiopathic generalized epilepsy. Also called: Generalised epilepsy; EIG. Identifiers: MedGen C0270850, MONDO:0005579, OMIM 600669.

Allele frequency attached by ClinVar (database versions not stated): gnomAD exomes below 0.00001; TOPMed below 0.00001; gnomAD 0.00001.
gnomAD v4.1: 5 of 1,611,512 alleles (0.00031%); highest among the groups gnomAD compares: African/African-American, 0.0027%; no homozygotes.

Submissions (2):

Labcorp Genetics (formerly Invitae), Labcorp
Classification: Likely benign for Idiopathic generalized epilepsy. Last evaluated: 2022-08-23. Review status: criteria provided, single submitter. Criteria: Invitae Variant Classification Sherloc (09022015). Collection method: clinical testing. Allele origin: germline.

PreventionGenetics, part of Exact Sciences
Classification: Likely benign for RBFOX1-related condition. Last evaluated: 2019-08-14. Review status: no assertion criteria provided. Collection method: clinical testing. Allele origin: germline. Not counted in ClinVar's aggregate classification.
Comment: This variant is classified as likely benign based on ACMG/AMP sequence variant interpretation guidelines (Richards et al. 2015 PMID: 25741868, with internal and published modifications).

NM_018723.4(RBFOX1):c.931-6T>C

Gene: RBFOX1 (RNA binding fox-1 homolog 1; plus strand). Cytogenetic location: 16p13.3.
Variant type: single nucleotide variant.
Coding change: c.931-6T>C on transcript NM_018723.4 (MANE Select); 6 bases into the intron before coding-DNA position 931, T replaced by C.
Molecular consequence: intron variant.
Genome position (GRCh38, 1-based): chr16:7,676,768, T>C. VCF-style: chr16-7676768-T-C. GRCh37 (hg19) VCF-style: chr16-7726770-T-C.
Other names: c.994-6T>C (NM_145891.2, NM_145893.3, NM_145891.3 and 1 more transcripts); c.931-6T>C (NM_001364800.2, NM_001142334.2); c.850-6T>C (NM_001142333.2); c.1060-6T>C (NM_001308117.1).
Identifiers: ClinVar variation 1357983 (VCV001357983.10), dbSNP rs1352822587, ClinGen allele CA620743720.